The following is an entry in ClinVar:

ClinVar aggregate classification (germline): Likely benign (1 of 4 stars; one submission).

Allele frequency attached by ClinVar (database versions not stated): gnomAD exomes 0.00001 and 0.00003; ExAC 0.00003; ESP Exome Variant Server 0.00008; gnomAD 0.00010; TOPMed 0.00016; 1000 Genomes Project 0.00040; 1000 Genomes Project 30x 0.00047.
gnomAD v4.1: 32 of 1,588,884 alleles (0.002%); highest among the groups gnomAD compares: Admixed American, 0.02%; no homozygotes.

Submission:

GeneDx
Classification: Likely benign. Last evaluated: 2017-12-27. Review status: criteria provided, single submitter. Criteria: GeneDx Variant Classification (06012015). Collection method: clinical testing. Allele origin: germline. Affected: yes.
Comment: This variant is considered likely benign or benign based on one or more of the following criteria: it is a conservative change, it occurs at a poorly conserved position in the protein, it is predicted to be benign by multiple in silico algorithms, and/or has population frequency not consistent with disease.

NM_006267.5(RANBP2):c.9369+20T>C

Gene: RANBP2 (RAN binding protein 2; plus strand). Cytogenetic location: 2q13.
Variant type: single nucleotide variant.
Coding change: c.9369+20T>C on transcript NM_006267.5 (MANE Select); 20 bases into the intron after coding-DNA position 9369, T replaced by C.
Molecular consequence: intron variant.
Genome position (GRCh38, 1-based): chr2:108,782,882, T>C. VCF-style: chr2-108782882-T-C. GRCh37 (hg19) VCF-style: chr2-109399338-T-C.
Identifiers: ClinVar variation 514004 (VCV000514004.1), dbSNP rs201669692, ClinGen allele CA1824009.